The following is an entry in ClinVar:

NM_000038.6(APC):c.3998A>C (p.Lys1333Thr)

Gene: APC (APC regulator of Wnt signaling pathway; plus strand). Cytogenetic location: 5q22.2.
Variant type: single nucleotide variant.
Coding change: c.3998A>C on transcript NM_000038.6 (MANE Select); coding-DNA position 3998, A replaced by C.
Protein change: p.Lys1333Thr; replaces lysine 1333 with threonine.
Molecular consequence: missense variant. On other transcripts: non-coding transcript variant (2).
Genome position (GRCh38, 1-based): chr5:112,839,592, A>C. VCF-style: chr5-112839592-A-C. GRCh37 (hg19) VCF-style: chr5-112175289-A-C.
Other names: c.3998A>C, p.Lys1333Thr (NM_001127510.3, NM_001354895.2, NM_001407450.1); c.3944A>C, p.Lys1315Thr (NM_001127511.3); c.4052A>C, p.Lys1351Thr (NM_001354896.2, NM_001407447.1, NM_001407448.1 and 1 more transcripts); c.4028A>C, p.Lys1343Thr (NM_001354897.2); c.3923A>C, p.Lys1308Thr (NM_001354898.2); c.3914A>C, p.Lys1305Thr (NM_001354899.2); c.3875A>C, p.Lys1292Thr (NM_001354900.2); c.3821A>C, p.Lys1274Thr (NM_001354901.2, NM_001407453.1); and 11 more; short protein forms K1232T, K1333T, K1343T, K1351T, K1361T, K1050T, K1207T, K1250T.
Identifiers: ClinVar variation 3635455 (VCV003635455.3).

ClinVar aggregate classification (germline): Uncertain significance. Review status: criteria provided, multiple submitters, no conflicts (2 of 4 stars). 2 submissions from 2 submitters: Uncertain significance (2). Last evaluated 2025-06-09.

Conditions:
Familial adenomatous polyposis 1 (FAP1). Also called: FAMILIAL ADENOMATOUS POLYPOSIS 1, ATTENUATED; POLYPOSIS, ADENOMATOUS INTESTINAL. Identifiers: MedGen C2713442, MONDO:0021056, OMIM 175100. Disease mechanism: loss of function.
Hereditary cancer-predisposing syndrome. Also called: Neoplastic Syndromes, Hereditary; Tumor predisposition; Hereditary Cancer Syndrome; Hereditary neoplastic syndrome. Identifiers: Orphanet 140162, MedGen C0027672, MeSH D009386, MONDO:0015356.

Submissions (2):

Color Diagnostics, LLC DBA Color Health
Classification: Uncertain significance for Hereditary cancer-predisposing syndrome. Last evaluated: 2025-06-09. Review status: criteria provided, single submitter. Criteria: ACMG Guidelines, 2015. Collection method: clinical testing. Allele origin: germline.
Comment: This missense variant replaces lysine with threonine at codon 1333 of the APC protein. Computational prediction suggests that this variant may not impact protein structure and function. To our knowledge, functional studies have not been reported for this variant. This variant has not been reported in individuals affected with APC-related disorders in the literature. This variant has not been identified in the general population by the Genome Aggregation Database (gnomAD). The available evidence is insufficient to determine the role of this variant in disease conclusively. Therefore, this variant is classified as a Variant of Uncertain Significance.

Labcorp Genetics (formerly Invitae), Labcorp
Classification: Uncertain significance for Familial adenomatous polyposis 1. Last evaluated: 2024-09-19. Review status: criteria provided, single submitter. Criteria: Invitae Variant Classification Sherloc (09022015). Collection method: clinical testing. Allele origin: germline.
Comment: This sequence change replaces lysine, which is basic and polar, with threonine, which is neutral and polar, at codon 1333 of the APC protein (p.Lys1333Thr). This variant is not present in population databases (gnomAD no frequency). This variant has not been reported in the literature in individuals affected with APC-related conditions. Invitae Evidence Modeling of protein sequence and biophysical properties (such as structural, functional, and spatial information, amino acid conservation, physicochemical variation, residue mobility, and thermodynamic stability) indicates that this missense variant is not expected to disrupt APC protein function with a negative predictive value of 95%. In summary, the available evidence is currently insufficient to determine the role of this variant in disease. Therefore, it has been classified as a Variant of Uncertain Significance.